The following is an entry in ClinVar:

NM_000313.4(PROS1):c.1219A>G (p.Ile407Val)

Gene: PROS1 (protein S; minus strand). Cytogenetic location: 3q11.1.
Variant type: single nucleotide variant.
Coding change: c.1219A>G on transcript NM_000313.4 (MANE Select); coding-DNA position 1219, A replaced by G.
Protein change: p.Ile407Val; replaces isoleucine 407 with valine.
Molecular consequence: missense variant.
Genome position (GRCh38, 1-based): chr3:93,886,440, T>C on the plus strand (A>G on the coding strand, the complement: PROS1 is on the minus strand). VCF-style: chr3-93886440-T-C. GRCh37 (hg19) VCF-style: chr3-93605284-T-C.
Other names: c.1315A>G, p.Ile439Val (NM_001314077.2); short protein forms I407V, I439V.
Identifiers: ClinVar variation 4752339 (VCV004752339.1).

ClinVar aggregate classification (germline): Uncertain significance (1 of 4 stars; one submission).

Conditions:
Thrombophilia due to protein S deficiency, autosomal recessive (THPH6). Identifiers: Orphanet 743, MedGen C3281092, MONDO:0013791, OMIM 614514. Disease mechanism: loss of function.

gnomAD v4.1: 1 of 1,613,044 alleles (0.000062%); highest among the groups gnomAD compares: East Asian, 0.0022%; no homozygotes.

Submission:

Labcorp Genetics (formerly Invitae), Labcorp
Classification: Uncertain significance for Thrombophilia due to protein S deficiency, autosomal recessive. Last evaluated: 2025-09-16. Review status: criteria provided, single submitter. Criteria: Invitae Variant Classification Sherloc (09022015). Collection method: clinical testing. Allele origin: germline.
Comment: This sequence change replaces isoleucine, which is neutral and non-polar, with valine, which is neutral and non-polar, at codon 407 of the PROS1 protein (p.Ile407Val). This variant is not present in population databases (gnomAD no frequency). This variant has not been reported in the literature in individuals affected with PROS1-related conditions. Invitae Evidence Modeling of protein sequence and biophysical properties (such as structural, functional, and spatial information, amino acid conservation, physicochemical variation, residue mobility, and thermodynamic stability) indicates that this missense variant is expected to disrupt PROS1 protein function with a positive predictive value of 80%. In summary, the available evidence is currently insufficient to determine the role of this variant in disease. Therefore, it has been classified as a Variant of Uncertain Significance.